The following is an entry in ClinVar:

NM_001197104.2(KMT2A):c.9683G>A (p.Arg3228His)

Gene: KMT2A (lysine methyltransferase 2A; plus strand). Cytogenetic location: 11q23.3.
Variant type: single nucleotide variant.
Coding change: c.9683G>A on transcript NM_001197104.2 (MANE Select); coding-DNA position 9683, G replaced by A.
Protein change: p.Arg3228His; replaces arginine 3228 with histidine.
Molecular consequence: missense variant.
Genome position (GRCh38, 1-based): chr11:118,505,575, G>A. VCF-style: chr11-118505575-G-A. GRCh37 (hg19) VCF-style: chr11-118376290-G-A.
Other names: c.9683G>A (NM_001197104.1); c.9674G>A, p.Arg3225His (NM_005933.4); short protein forms R3225H, R3228H.
Identifiers: ClinVar variation 1463934 (VCV001463934.7), dbSNP rs782434873, ClinGen allele CA6304629.

ClinVar aggregate classification (germline): Uncertain significance. Review status: criteria provided, multiple submitters, no conflicts (2 of 4 stars). 2 submissions from 2 submitters: Uncertain significance (2). Last evaluated 2025-05-27.

Conditions:
KMT2A-related disorder. Also called: KMT2A-related condition.

Allele frequency attached by ClinVar (database versions not stated): ExAC 0.00001; gnomAD exomes 0.00001 and 0.00003; gnomAD 0.00003; TOPMed 0.00003.
gnomAD v4.1: 43 of 1,613,870 alleles (0.0027%); highest among the groups gnomAD compares: Non-Finnish European, 0.0036%; no homozygotes.

Submissions (2):

Labcorp Genetics (formerly Invitae), Labcorp
Classification: Uncertain significance. Last evaluated: 2025-05-27. Review status: criteria provided, single submitter. Criteria: Invitae Variant Classification Sherloc (09022015). Collection method: clinical testing. Allele origin: germline.
Comment: This sequence change replaces arginine, which is basic and polar, with histidine, which is basic and polar, at codon 3228 of the KMT2A protein (p.Arg3228His). This variant is present in population databases (rs782434873, gnomAD 0.003%). This variant has not been reported in the literature in individuals affected with KMT2A-related conditions. ClinVar contains an entry for this variant (Variation ID: 1463934). Invitae Evidence Modeling of protein sequence and biophysical properties (such as structural, functional, and spatial information, amino acid conservation, physicochemical variation, residue mobility, and thermodynamic stability) has been performed for this missense variant. However, the output from this modeling did not meet the statistical confidence thresholds required to predict the impact of this variant on KMT2A protein function. In summary, the available evidence is currently insufficient to determine the role of this variant in disease. Therefore, it has been classified as a Variant of Uncertain Significance.

PreventionGenetics, part of Exact Sciences
Classification: Uncertain significance for KMT2A-related condition. Last evaluated: 2023-02-09. Review status: criteria provided, single submitter. Criteria: ACMG Guidelines, 2015. Collection method: clinical testing. Allele origin: germline.
Comment: The KMT2A c.9683G>A variant is predicted to result in the amino acid substitution p.Arg3228His. To our knowledge, this variant has not been reported in the literature. This variant is reported in 0.0026% of alleles in individuals of European (Non-Finnish) descent in gnomAD. At this time, the clinical significance of this variant is uncertain due to the absence of conclusive functional and genetic evidence.